The following is an entry in ClinVar:

NM_021625.5(TRPV4):c.2034C>T (p.Ile678=)

Gene: TRPV4 (transient receptor potential cation channel subfamily V member 4; minus strand). Cytogenetic location: 12q24.11.
Variant type: single nucleotide variant.
Coding change: c.2034C>T on transcript NM_021625.5 (MANE Select); coding-DNA position 2034, C replaced by T.
Protein change: p.Ile678=; no amino-acid change (isoleucine 678 retained).
Molecular consequence: synonymous variant.
Genome position (GRCh38, 1-based): chr12:109,788,574, G>A on the plus strand (C>T on the coding strand, the complement: TRPV4 is on the minus strand). VCF-style: chr12-109788574-G-A. GRCh37 (hg19) VCF-style: chr12-110226379-G-A.
Other names: p.I678I:ATC>ATT; p.Ile678=; c.1893C>T, p.Ile631= (NM_001177428.2); c.1932C>T, p.Ile644= (NM_001177431.2); c.1713C>T, p.Ile571= (NM_001177433.2); c.1854C>T, p.Ile618= (NM_147204.3).
Identifiers: ClinVar variation 137725 (VCV000137725.24), dbSNP rs3742037, ClinGen allele CA291399.
Genomic context (GRCh38, chr12:109,788,574, plus strand): 5'-CAGGATGATGAAGACCACGGGGTACTTGGTGCTGCTCAGCATCTCCAGGTCGCCCATGCC[G>A]ATGGTCAGCTTAAACAGGTCCAGGAGGAAGGTGCTGAAGGTCTCGCTGTCACGGCACGAG-3'
Protein context (NP_067638.3, residues 668-688): TFLLDLFKLT[Ile678=]GMGDLEMLSS

ClinVar aggregate classification (germline): Benign. Review status: criteria provided, multiple submitters, no conflicts (2 of 4 stars). 16 submissions from 11 submitters: Benign (13). 3 of the submissions do not count toward it. Last evaluated 2026-02-04.

Conditions:
Charcot-Marie-Tooth disease. Also called: Charcot-Marie-Tooth Neuropathy; Charcot-Marie-Tooth Hereditary Neuropathy. Identifiers: Orphanet 166, MedGen C0007959, MONDO:0015626.
Scapuloperoneal spinal muscular atrophy (SPSMA). Also called: Scapuloperoneal Form of Spinal Muscular Atrophy; AMYOTROPHY, NEUROGENIC SCAPULOPERONEAL, NEW ENGLAND TYPE; Scapuloperoneal Spinal Muscular Atrophy, TRPV4-Related; Scapuloperoneal spinal muscular atrophy, autosomal dominant. Identifiers: Orphanet 431255, MedGen C0751335, MONDO:0008408, OMIM 181405.
Metatropic dysplasia (MTD). Also called: Metatropic dysplasia, nonlethal dominant; METATROPIC DWARFISM; Metatropic Dysplasia, TRPV4-Related. Identifiers: Orphanet 2635, MedGen C0265281, MONDO:0007986, OMIM 156530.
Neuronopathy, distal hereditary motor, autosomal dominant 8. Also called: NEURONOPATHY, DISTAL HEREDITARY MOTOR, TYPE VIII; NEUROPATHY, DISTAL HEREDITARY MOTOR, TYPE VIII; SPINAL MUSCULAR ATROPHY, CONGENITAL BENIGN, WITH CONTRACTURES; Autosomal dominant congenital benign spinal muscular atrophy. Identifiers: Orphanet 1216, MedGen C1838492, MONDO:0010839, OMIM 600175.
Charcot-Marie-Tooth disease axonal type 2C (HMSN2C). Also called: CHARCOT-MARIE-TOOTH DISEASE, AXONAL, AUTOSOMAL DOMINANT, TYPE 2C; Charcot-Marie-Tooth Neuropathy Type 2C; Charcot-Marie-Tooth Disease Type 2, TRPV4-Related (CMT2C). Identifiers: Orphanet 99937, MedGen C1853710, MONDO:0011633, OMIM 606071.
Brachyrachia (short spine dysplasia) (BCYM3). Also called: Brachyolmia Type 3; Autosomal dominant brachyolmia; BRACHYRACHIA; Brachyolmia, TRPV4-Related. Identifiers: Orphanet 93304, MedGen C0432227, MONDO:0007232, OMIM 113500.
Spondylometaphyseal dysplasia, Kozlowski type (SMDK). Also called: Dysmorphism arthrogryposis skeletal maturation advanced; Jequier-Kozlowski syndrome; Skeletal dysplasia Jequier-Kozlowski type; SMD Kozlowski type; Spondylometaphyseal Dysplasia, TRPV4-Related (Kozlowski Type). Identifiers: Orphanet 93314, MedGen C0265280, MONDO:0008477, OMIM 184252.

Allele frequency attached by ClinVar (database versions not stated): ESP Exome Variant Server 0.13025; gnomAD 0.14796 and 0.14446; ExAC 0.16660; gnomAD exomes 0.17192 and 0.15444; 1000 Genomes Project 0.18031; TOPMed 0.14951; 1000 Genomes Project 30x 0.18145.
gnomAD v4.1: 248,321 of 1,614,170 alleles (15%); highest among the groups gnomAD compares: Admixed American, 26%; 20,663 homozygotes.

Submissions (16):

Labcorp Genetics (formerly Invitae), Labcorp
Classification: Benign for Charcot-Marie-Tooth disease axonal type 2C. Last evaluated: 2026-02-04. Review status: criteria provided, single submitter. Criteria: Invitae Variant Classification Sherloc (09022015). Collection method: clinical testing. Allele origin: germline.

Illumina Laboratory Services, Illumina
Classification: Benign for Charcot-Marie-Tooth disease axonal type 2C. Last evaluated: 2018-01-12. Review status: criteria provided, single submitter. Criteria: ICSL Variant Classification Criteria 13 December 2019. Collection method: clinical testing. Allele origin: germline.
Comment: This variant was observed in the ICSL laboratory as part of a predisposition screen in an ostensibly healthy population. It had not been previously curated by ICSL or reported in the Human Gene Mutation Database (HGMD: prior to June 1st, 2018), and was therefore a candidate for classification through an automated scoring system. Utilizing variant allele frequency, disease prevalence and penetrance estimates, and inheritance mode, an automated score was calculated to assess if this variant is too frequent to cause the disease. Based on the score and internal cut-off values, a variant classified as benign is not then subjected to further curation. The score for this variant resulted in a classification of benign for this disease.

Illumina Laboratory Services, Illumina
Classification: Benign for Metatropic dysplasia. Last evaluated: 2018-01-12. Review status: criteria provided, single submitter. Criteria: ICSL Variant Classification Criteria 13 December 2019. Collection method: clinical testing. Allele origin: germline.
Comment: the same text as in the submission from Illumina Laboratory Services, Illumina above.

Illumina Laboratory Services, Illumina
Classification: Benign for Spondylometaphyseal dysplasia, Kozlowski type. Last evaluated: 2018-01-12. Review status: criteria provided, single submitter. Criteria: ICSL Variant Classification Criteria 13 December 2019. Collection method: clinical testing. Allele origin: germline.
Comment: the same text as in the submission from Illumina Laboratory Services, Illumina above.

Illumina Laboratory Services, Illumina
Classification: Benign for Scapuloperoneal spinal muscular atrophy. Last evaluated: 2018-01-12. Review status: criteria provided, single submitter. Criteria: ICSL Variant Classification Criteria 13 December 2019. Collection method: clinical testing. Allele origin: germline.
Comment: the same text as in the submission from Illumina Laboratory Services, Illumina above.

Illumina Laboratory Services, Illumina
Classification: Benign for Neuronopathy, distal hereditary motor, autosomal dominant 8. Last evaluated: 2018-01-12. Review status: criteria provided, single submitter. Criteria: ICSL Variant Classification Criteria 13 December 2019. Collection method: clinical testing. Allele origin: germline.
Comment: the same text as in the submission from Illumina Laboratory Services, Illumina above.

Illumina Laboratory Services, Illumina
Classification: Benign for Brachyrachia (short spine dysplasia). Last evaluated: 2018-01-12. Review status: criteria provided, single submitter. Criteria: ICSL Variant Classification Criteria 13 December 2019. Collection method: clinical testing. Allele origin: germline.
Comment: the same text as in the submission from Illumina Laboratory Services, Illumina above.

Athena Diagnostics
Classification: Benign. Last evaluated: 2017-07-17. Review status: criteria provided, single submitter. Criteria: Athena Diagnostics Criteria. Collection method: clinical testing. Allele origin: germline.

Mayo Clinic Laboratories, Mayo Clinic
Classification: Benign. Last evaluated: 2015-09-01. Review status: criteria provided, single submitter. Criteria: ACMG Guidelines, 2015. Collection method: clinical testing. Allele origin: germline. Observed: 602 variant alleles.

GeneDx
Classification: Benign. Last evaluated: 2014-03-06. Review status: criteria provided, single submitter. Criteria: GeneDx Variant Classification (06012015). Collection method: clinical testing. Allele origin: germline. Affected: yes.
Comment: This variant is considered likely benign or benign based on one or more of the following criteria: it is a conservative change, it occurs at a poorly conserved position in the protein, it is predicted to be benign by multiple in silico algorithms, and/or has population frequency not consistent with disease.

Breakthrough Genomics
Classification: Benign. Review status: criteria provided, single submitter. Criteria: ACMG Guidelines, 2015. Collection method: not provided. Allele origin: germline. Inheritance: Autosomal dominant inheritance. Affected: yes.

Molecular Genetics Laboratory, London Health Sciences Centre
Classification: Benign for Charcot-Marie-Tooth disease. Review status: criteria provided, single submitter. Criteria: ACMG Guidelines, 2015. Collection method: clinical testing. Allele origin: germline. Affected: yes.

PreventionGenetics, part of Exact Sciences
Classification: Benign. Review status: criteria provided, single submitter. Criteria: ACMG Guidelines, 2015. Collection method: clinical testing. Allele origin: germline.

Clinical Genetics, Academic Medical Center
Classification: Benign. Review status: no assertion criteria provided. Collection method: clinical testing. Allele origin: germline. Affected: yes. Study: VKGL Data-share Consensus. Not counted in ClinVar's aggregate classification.

Genome Diagnostics Laboratory, University Medical Center Utrecht
Classification: Benign. Review status: no assertion criteria provided. Collection method: clinical testing. Allele origin: germline. Affected: yes. Study: VKGL Data-share Consensus. Not counted in ClinVar's aggregate classification.

Joint Genome Diagnostic Labs from Nijmegen and Maastricht, Radboudumc and MUMC+
Classification: Benign. Review status: no assertion criteria provided. Collection method: clinical testing. Allele origin: germline. Affected: yes. Study: VKGL Data-share Consensus. Not counted in ClinVar's aggregate classification.